The following is an entry in ClinVar:

NM_001384732.1(CPLANE1):c.702G>A (p.Trp234Ter)

Gene: CPLANE1 (ciliogenesis and planar polarity effector complex subunit 1; minus strand). Cytogenetic location: 5p13.2.
Variant type: single nucleotide variant.
Coding change: c.702G>A on transcript NM_001384732.1 (MANE Select); coding-DNA position 702, G replaced by A.
Protein change: p.Trp234Ter; replaces tryptophan 234 with a stop codon.
Molecular consequence: nonsense.
Genome position (GRCh38, 1-based): chr5:37,239,845, C>T on the plus strand (G>A on the coding strand, the complement: CPLANE1 is on the minus strand). VCF-style: chr5-37239845-C-T. GRCh37 (hg19) VCF-style: chr5-37239947-C-T.
Other names: c.702G>A, p.Trp234Ter (NM_023073.4); short protein forms W234*.
Identifiers: ClinVar variation 489165 (VCV000489165.7), dbSNP rs1554114025, ClinGen allele CA359516781.

ClinVar aggregate classification (germline): Pathogenic. Review status: criteria provided, multiple submitters, no conflicts (2 of 4 stars). 2 submissions from 2 submitters: Pathogenic (2). Last evaluated 2022-10-29.

Allele frequency attached by ClinVar (database versions not stated): gnomAD exomes below 0.00001.
gnomAD v4.1: 1 of 1,517,898 alleles (0.000066%); highest among the groups gnomAD compares: Non-Finnish European, 0.000089%; no homozygotes.

Submissions (2):

Labcorp Genetics (formerly Invitae), Labcorp
Classification: Pathogenic. Last evaluated: 2022-10-29. Review status: criteria provided, single submitter. Criteria: Invitae Variant Classification Sherloc (09022015). Collection method: clinical testing. Allele origin: germline.
Comment: This variant is not present in population databases (gnomAD no frequency). For these reasons, this variant has been classified as Pathogenic. ClinVar contains an entry for this variant (Variation ID: 489165). This variant has not been reported in the literature in individuals affected with CPLANE1-related conditions. This sequence change creates a premature translational stop signal (p.Trp234*) in the CPLANE1 gene. It is expected to result in an absent or disrupted protein product. Loss-of-function variants in CPLANE1 are known to be pathogenic (PMID: 24178751, 26092869).

GeneDx
Classification: Pathogenic. Last evaluated: 2017-12-05. Review status: criteria provided, single submitter. Criteria: GeneDx Variant Classification (06012015). Collection method: clinical testing. Allele origin: germline. Affected: yes.
Comment: The W234X variant in the C5orf42 gene has not been published as a pathogenic variant, nor has it been reported as a benign variant to our knowledge. It is not observed in large population cohorts (Lek et al., 2016). The W234X variant is predicted to cause loss of normal protein function either through protein truncation or nonsense-mediated mRNA decay. Although this pathogenic variant has not been reported previously to our knowledge, other nonsense and loss-of-functions variants have been reported in the Human Gene Mutation Database in association with C5orf42-related disorders (Stenson et al., 2014). Additionally, this patientâ€™s reported clinical presentation is consistent with Joubert syndrome. Therefore, we interpret W234X as a pathogenic variant.

Literature cited by the submitters: PubMed 24178751 (cited by Labcorp Genetics (formerly Invitae), Labcorp); PubMed 26092869 (cited by Labcorp Genetics (formerly Invitae), Labcorp).